The following is an entry in ClinVar:

NM_000264.5(PTCH1):c.907G>A (p.Asp303Asn)

Gene: PTCH1 (patched 1; minus strand). Cytogenetic location: 9q22.32.
Variant type: single nucleotide variant.
Coding change: c.907G>A on transcript NM_000264.5 (MANE Select); coding-DNA position 907, G replaced by A.
Protein change: p.Asp303Asn; replaces aspartic acid 303 with asparagine.
Molecular consequence: missense variant. On other transcripts: non-coding transcript variant (1).
Genome position (GRCh38, 1-based): chr9:95,480,428, C>T on the plus strand (G>A on the coding strand, the complement: PTCH1 is on the minus strand). VCF-style: chr9-95480428-C-T. GRCh37 (hg19) VCF-style: chr9-98242710-C-T.
Other names: c.709G>A, p.Asp237Asn (NM_001083602.3); c.904G>A, p.Asp302Asn (NM_001083603.3); c.454G>A, p.Asp152Asn (NM_001083604.3, NM_001083605.3, NM_001083606.3 and 1 more transcripts); c.907G>A, p.Asp303Asn (NM_001354918.2); short protein forms D237N, D303N, D152N, D302N.
Identifiers: ClinVar variation 2133412 (VCV002133412.4), dbSNP rs1172719429, ClinGen allele CA374113765.
Genomic context (GRCh38, chr9:95,480,428, plus strand): 5'-AGCGCTCACTGCTGGTACTCACTTTGGTTGAATTTTTGTTGGGGGCTGTGGCGGGGCAGT[C>T]TGGATCGGCCGGATTGAGGCAGGGGCGGTCCATGTAACCATGACCAACCTCAGCCTTATT-3'
Protein context (NP_000255.2, residues 293-313): DRPCLNPADP[Asp303Asn]CPATAPNKNS

ClinVar aggregate classification (germline): Uncertain significance (1 of 4 stars; one submission).

Conditions:
Gorlin syndrome. Also called: Basal cell nevus syndrome; Nevoid Basal Cell Carcinoma Syndrome. Identifiers: Orphanet 377, MedGen C0004779, MONDO:0007187.

Submission:

Labcorp Genetics (formerly Invitae), Labcorp
Classification: Uncertain significance for Gorlin syndrome. Last evaluated: 2022-05-04. Review status: criteria provided, single submitter. Criteria: Invitae Variant Classification Sherloc (09022015). Collection method: clinical testing. Allele origin: germline.
Comment: Advanced modeling of protein sequence and biophysical properties (such as structural, functional, and spatial information, amino acid conservation, physicochemical variation, residue mobility, and thermodynamic stability) performed at Invitae indicates that this missense variant is not expected to disrupt PTCH1 protein function. This variant has not been reported in the literature in individuals affected with PTCH1-related conditions. This variant is not present in population databases (gnomAD no frequency). This sequence change replaces aspartic acid, which is acidic and polar, with asparagine, which is neutral and polar, at codon 303 of the PTCH1 protein (p.Asp303Asn). In summary, the available evidence is currently insufficient to determine the role of this variant in disease. Therefore, it has been classified as a Variant of Uncertain Significance.